The following is an entry in ClinVar:

NM_130468.4(CHST14):c.991G>C (p.Ala331Pro)

Gene: CHST14 (carbohydrate sulfotransferase 14; plus strand). Cytogenetic location: 15q15.1.
Variant type: single nucleotide variant.
Coding change: c.991G>C on transcript NM_130468.4 (MANE Select); coding-DNA position 991, G replaced by C.
Protein change: p.Ala331Pro; replaces alanine 331 with proline.
Molecular consequence: missense variant.
Genome position (GRCh38, 1-based): chr15:40,472,204, G>C. VCF-style: chr15-40472204-G-C. GRCh37 (hg19) VCF-style: chr15-40764403-G-C.
Other names: short protein forms A331P.
Identifiers: ClinVar variation 4774283 (VCV004774283.1).

ClinVar aggregate classification (germline): Uncertain significance (1 of 4 stars; one submission).

Conditions:
Ehlers-Danlos syndrome, musculocontractural type (EDSMC). Also called: Adducted thumb, clubfoot, progressive joint and skin laxity syndrome; DUNDAR SYNDROME; ADDUCTED THUMB-CLUBFOOT SYNDROME; ARTHROGRYPOSIS, DISTAL, WITH PECULIAR FACIES AND HYDRONEPHROSIS. Identifiers: Orphanet 2953, MedGen C1866294, MONDO:0011142.

Submission:

Labcorp Genetics (formerly Invitae), Labcorp
Classification: Uncertain significance for Ehlers-Danlos syndrome, musculocontractural type. Last evaluated: 2025-10-08. Review status: criteria provided, single submitter. Criteria: Invitae Variant Classification Sherloc (09022015). Collection method: clinical testing. Allele origin: germline.
Comment: This sequence change replaces alanine, which is neutral and non-polar, with proline, which is neutral and non-polar, at codon 331 of the CHST14 protein (p.Ala331Pro). This variant is not present in population databases (gnomAD no frequency). This variant has not been reported in the literature in individuals affected with CHST14-related conditions. Invitae Evidence Modeling of protein sequence and biophysical properties (such as structural, functional, and spatial information, amino acid conservation, physicochemical variation, residue mobility, and thermodynamic stability) indicates that this missense variant is not expected to disrupt CHST14 protein function with a negative predictive value of 80%. In summary, the available evidence is currently insufficient to determine the role of this variant in disease. Therefore, it has been classified as a Variant of Uncertain Significance.